The following is an entry in ClinVar:

ClinVar aggregate classification (germline): Uncertain significance (1 of 4 stars; one submission).

Conditions:
Multiple endocrine neoplasia, type 1 (MEN1). Also called: MEN I; WERMER SYNDROME; Endocrine adenomatosis multiple; MEN 1; MEA I. Identifiers: Orphanet 652, MedGen C0025267, MeSH D018761, MONDO:0007540, OMIM 131100.

Submission:

Labcorp Genetics (formerly Invitae), Labcorp
Classification: Uncertain significance for Multiple endocrine neoplasia, type 1. Last evaluated: 2025-07-30. Review status: criteria provided, single submitter. Criteria: Invitae Variant Classification Sherloc (09022015). Collection method: clinical testing. Allele origin: germline.
Comment: This sequence change falls in intron 2 of the MEN1 gene. It does not directly change the encoded amino acid sequence of the MEN1 protein. It affects a nucleotide within the consensus splice site. This variant is not present in population databases (gnomAD no frequency). This variant has not been reported in the literature in individuals affected with MEN1-related conditions. ClinVar contains an entry for this variant (Variation ID: 1492487). Variants that disrupt the consensus splice site are a relatively common cause of aberrant splicing (PMID: 17576681, 9536098). Algorithms developed to predict the effect of sequence changes on RNA splicing suggest that this variant may create or strengthen a splice site. In summary, the available evidence is currently insufficient to determine the role of this variant in disease. Therefore, it has been classified as a Variant of Uncertain Significance.

Literature cited by the submitters: PubMed 17576681; PubMed 9536098.

NM_001370259.2(MEN1):c.445+3T>C

Gene: MEN1 (menin 1; minus strand). Cytogenetic location: 11q13.1.
Variant type: single nucleotide variant.
Coding change: c.445+3T>C on transcript NM_001370259.2 (MANE Select); 3 bases into the intron after coding-DNA position 445, T replaced by C.
Molecular consequence: intron variant. On other transcripts: missense variant (6).
Genome position (GRCh38, 1-based): chr11:64,809,662, A>G on the plus strand (T>C on the coding strand, the complement: MEN1 is on the minus strand). VCF-style: chr11-64809662-A-G. GRCh37 (hg19) VCF-style: chr11-64577134-A-G.
Other names: c.448T>C, p.Trp150Arg (NM_000244.4, NM_130800.3, NM_130801.3 and 3 more transcripts); c.445+3T>C (NM_130799.3, NM_001370260.2, NM_001370251.2 and 3 more transcripts); short protein forms W150R.
Identifiers: ClinVar variation 1492487 (VCV001492487.6), dbSNP rs2136177528, ClinGen allele CA381186617.
Genomic context (GRCh38, chr11:64,809,662, plus strand): 5'-TAAACCATGGAGGGTTTTGAAGAAGTGGGTCATGGATAAGATTCCCACCTACTGGGCTCC[A>G]ACCTGTGATGAAGCTGAAGAGGGACTGGATGTGGGCCCGATCCTTGAAGTAGGAGCGGCT-3'